The following is an entry in ClinVar:

NM_000702.4(ATP1A2):c.2587T>C (p.Phe863Leu)

Gene: ATP1A2 (ATPase Na+/K+ transporting subunit alpha 2; plus strand). Cytogenetic location: 1q23.2.
Variant type: single nucleotide variant.
Coding change: c.2587T>C on transcript NM_000702.4 (MANE Select); coding-DNA position 2587, T replaced by C.
Protein change: p.Phe863Leu; replaces phenylalanine 863 with leucine.
Molecular consequence: missense variant.
Genome position (GRCh38, 1-based): chr1:160,136,593, T>C. VCF-style: chr1-160136593-T-C. GRCh37 (hg19) VCF-style: chr1-160106383-T-C.
Other names: short protein forms F863L.
Identifiers: ClinVar variation 3392831 (VCV003392831.1).
Genomic context (GRCh38, chr1:160,136,593, plus strand): 5'-TCTGACCCTGCCCCTGCCTTTGGCCCTCTACCCACAGGGATGATCCAGGCACTGGGTGGC[T>C]TCTTCACCTACTTTGTGATCCTGGCAGAGAACGGTTTCCTGCCATCACGGCTACTGGGAA-3'
Protein context (NP_000693.1, residues 853-873): QIGMIQALGG[Phe863Leu]FTYFVILAEN

ClinVar aggregate classification (germline): Uncertain significance (1 of 4 stars; one submission).

Submission:

GeneDx
Classification: Uncertain significance. Last evaluated: 2024-06-26. Review status: criteria provided, single submitter. Criteria: GeneDx Variant Classification Process June 2021. Collection method: clinical testing. Allele origin: germline. Affected: yes.
Comment: Not observed at significant frequency in large population cohorts (gnomAD); In silico analysis supports that this missense variant has a deleterious effect on protein structure/function; Has not been previously published as pathogenic or benign to our knowledge